The following is an entry in ClinVar:

ClinVar aggregate classification (germline): Likely benign (1 of 4 stars; one submission).

Submission:

CeGaT Center for Human Genetics Tuebingen
Classification: Likely benign. Last evaluated: 2023-10-01. Review status: criteria provided, single submitter. Criteria: CeGaT Center For Human Genetics Tuebingen Variant Classification Criteria Version 2. Collection method: clinical testing. Allele origin: germline. Affected: yes. Observed: 1 variant allele.
Comment: BRD4: PM2:Supporting, BP4, BP7

NM_001379291.1(BRD4):c.2328G>C (p.Pro776=)

Gene: BRD4 (bromodomain containing 4; minus strand). Cytogenetic location: 19p13.12.
Variant type: single nucleotide variant.
Coding change: c.2328G>C on transcript NM_001379291.1 (MANE Select); coding-DNA position 2328, G replaced by C.
Protein change: p.Pro776=; no amino-acid change (proline 776 retained).
Molecular consequence: synonymous variant.
Genome position (GRCh38, 1-based): chr19:15,244,484, C>G on the plus strand (G>C on the coding strand, the complement: BRD4 is on the minus strand). VCF-style: chr19-15244484-C-G. GRCh37 (hg19) VCF-style: chr19-15355295-C-G.
Other names: c.2328G>C, p.Pro776= (NM_058243.3).
Identifiers: ClinVar variation 2649453 (VCV002649453.24), dbSNP rs757189208, ClinGen allele CA506080497.